The following is an entry in ClinVar:

NM_001282933.2(ZNF341):c.1301_1302insAG (p.Ser435fs)

Gene: ZNF341 (zinc finger protein 341; plus strand). Cytogenetic location: 20q11.22.
Variant type: Insertion.
Coding change: c.1301_1302insAG on transcript NM_001282933.2 (MANE Select); coding-DNA positions 1301 to 1302, AG inserted.
Protein change: p.Ser435fs; shifts the reading frame from serine 435.
Molecular consequence: frameshift variant. On other transcripts: non-coding transcript variant (1).
Genome position: GRCh38 VCF-style: chr20-33766929-A-AAG. GRCh37 (hg19) VCF-style: chr20-32354735-A-AAG.
Other names: c.1031_1032insAG, p.Ser345fs (NM_001282935.2); c.1280_1281insAG, p.Ser428fs (NM_032819.5); short protein forms S345fs, S428fs, S435fs.
Identifiers: ClinVar variation 4071540 (VCV004071540.1).

ClinVar aggregate classification (germline): Likely pathogenic (1 of 4 stars; one submission).

Conditions:
Hyper-IgE recurrent infection syndrome 1, autosomal dominant. Also called: JOB SYNDROME; STAT3 Hyper IgE Syndrome; Job's Syndrome; Hyper-IgE recurrent infection syndrome 1; HYPER-IgE SYNDROME 1, AUTOSOMAL DOMINANT, WITH RECURRENT INFECTIONS. Identifiers: Orphanet 2314, MedGen C2936739, MONDO:0007818, OMIM 147060.

Submission:

Next Generation Genetic Polyclinic
Classification: Likely pathogenic for Hyper-IgE recurrent infection syndrome 1, autosomal dominant. Last evaluated: 2025-04-25. Review status: criteria provided, single submitter. Criteria: ACMG Guidelines, 2015. Collection method: curation. Allele origin: germline. Affected: yes. Observed: 1 variant allele.
Comment: A novel insertion variant in the ZNF341 gene (c.1301_1302insAG) was identified through curation in a homozygous state and classified as Likely Pathogenic.